The following is an entry in ClinVar:

NM_004667.6(HERC2):c.11835T>C (p.Thr3945=)

Gene: HERC2 (HECT and RLD domain containing E3 ubiquitin protein ligase 2; minus strand). Cytogenetic location: 15q13.1.
Variant type: single nucleotide variant.
Coding change: c.11835T>C on transcript NM_004667.6 (MANE Select); coding-DNA position 11835, T replaced by C.
Protein change: p.Thr3945=; no amino-acid change (threonine 3945 retained).
Molecular consequence: synonymous variant.
Genome position (GRCh38, 1-based): chr15:28,141,612, A>G on the plus strand (T>C on the coding strand, the complement: HERC2 is on the minus strand). VCF-style: chr15-28141612-A-G. GRCh37 (hg19) VCF-style: chr15-28386758-A-G.
Identifiers: ClinVar variation 2645038 (VCV002645038.25), dbSNP rs376020684, ClinGen allele CA267946185.
Genomic context (GRCh38, chr15:28,141,612, plus strand): 5'-GAGCTGGCCCCTGTGATTATGTCCCCATCCATAAATTGTTCCACTGCCACCAGCAGAGAG[A>G]GTCCAGTCATCTGGTCGCCTACAATACACATCAAGTGAGCATTTGCCATGGGCAAGAACA-3'
Protein context (NP_004658.3, residues 3935-3955): QWMNRRPDDW[Thr3945=]LSAGGSGTIY

ClinVar aggregate classification (germline): Likely benign. Review status: criteria provided, multiple submitters, no conflicts (2 of 4 stars). 2 submissions from 2 submitters: Likely benign (2). Last evaluated 2023-01-11.

Allele frequency attached by ClinVar (database versions not stated): gnomAD exomes below 0.00001; ESP Exome Variant Server 0.00008.
gnomAD v4.1: 1 of 1,614,180 alleles (0.000062%); highest among the groups gnomAD compares: Non-Finnish European, 0.000085%; no homozygotes.

Submissions (2):

Blueprint Genetics
Classification: Likely benign. Last evaluated: 2023-01-11. Review status: criteria provided, single submitter. Criteria: ACMG Guidelines, 2015. Collection method: clinical testing. Allele origin: germline.

CeGaT Center for Human Genetics Tuebingen
Classification: Likely benign. Last evaluated: 2022-08-01. Review status: criteria provided, single submitter. Criteria: CeGaT Center For Human Genetics Tuebingen Variant Classification Criteria Version 2. Collection method: clinical testing. Allele origin: germline. Affected: yes. Observed: 1 variant allele.
Comment: HERC2: PM2:Supporting, BP4, BP7